The following is an entry in ClinVar:

ClinVar aggregate classification (germline): Uncertain significance (1 of 4 stars; one submission).

Conditions:
Hereditary nonpolyposis colorectal neoplasms. Identifiers: MedGen C0009405, MeSH D003123.

Submission:

Labcorp Genetics (formerly Invitae), Labcorp
Classification: Uncertain significance for Hereditary nonpolyposis colorectal neoplasms. Last evaluated: 2018-03-06. Review status: criteria provided, single submitter. Criteria: Invitae Variant Classification Sherloc (09022015). Collection method: clinical testing. Allele origin: germline.
Comment: This variant has not been reported in the literature in individuals with MSH6-related disease. In summary, the available evidence is currently insufficient to determine the role of this variant in disease. Therefore, it has been classified as a Variant of Uncertain Significance. This variant is not present in population databases (ExAC no frequency). This sequence change results in a premature translational stop signal in the MSH6 gene (p.Ala1339*). While this is not anticipated to result in nonsense mediated decay, it is expected to delete the last 22 amino acids of the MSH6 protein.

NM_000179.3(MSH6):c.4015_4033del (p.Leu1338_Ala1339insTer)

Gene: MSH6 (mutS homolog 6; plus strand). Cytogenetic location: 2p16.3.
Variant type: Deletion.
Coding change: c.4015_4033del on transcript NM_000179.3 (MANE Select); coding-DNA positions 4015 to 4033, 19 bases deleted (GCTAGTGAAAGGTCAACTG).
Protein change: p.Leu1338_Ala1339insTer.
Molecular consequence: nonsense.
Genome position (GRCh38, 1-based): chr2:47,806,792-47,806,810, GCTAGTGAAAGGTCAACTG deleted; deleting any 19 consecutive bases within chr2:47,806,789-47,806,810 gives the same sequence; the c. name uses the placement nearest the transcript's 3' end. VCF-style (leftmost placement, unchanged base first): chr2-47806788-CCTGGCTAGTGAAAGGTCAA-C. GRCh37 (hg19) VCF-style: chr2-48033927-CCTGGCTAGTGAAAGGTCAA-C.
Other names: c.3625_3643del, p.Leu1208_Ala1209insTer (NM_001281492.2); c.3109_3127del, p.Leu1036_Ala1037insTer (NM_001281493.2, NM_001281494.2); c.4015_4033delGCTAGTGAAAGGTCAACTG (NM_000179.2).
Identifiers: ClinVar variation 568105 (VCV000568105.7), dbSNP rs1558395566, ClinGen allele CA891843287.